The following is an entry in ClinVar:

NM_022552.5(DNMT3A):c.27dup (p.Gly10fs)

Gene: DNMT3A (DNA methyltransferase 3 alpha; minus strand). Cytogenetic location: 2p23.3.
Variant type: Duplication.
Coding change: c.27dup on transcript NM_022552.5 (MANE Select); coding-DNA position 27, one base duplicated (C; older notation c.27dupC).
Protein change: p.Gly10fs; shifts the reading frame from glycine 10.
Molecular consequence: frameshift variant. On other transcripts: non-coding transcript variant (1).
Genome position (GRCh38, 1-based): chr2:25,313,958, G duplicated on the plus strand (C on the coding strand, the reverse complement: DNMT3A is on the minus strand); the first of 4 consecutive G bases (chr2:25,313,958-25,313,961); duplicating any one gives the same sequence. VCF-style (leftmost placement, unchanged base first): chr2-25313957-C-CG. GRCh37 (hg19) VCF-style: chr2-25536826-C-CG.
Other names: c.27dup, p.Gly10fs (NM_001320892.2, NM_175629.2, NM_175630.1); short protein forms G10fs.
Identifiers: ClinVar variation 3363922 (VCV003363922.1).
Genomic context (GRCh38, chr2:25,313,957, plus strand): 5'-AGAGCCCGCTGCTCACCTTTCGGTCCTCCTCCCGCTCCGCAGCAGAGCTGCTGGTGTCCC[C>CG]GGGGCCGCTGGAGGGCATGGCGGGCATCTGGGCGCCGGGAGGCAGGCTGGGGCTGCGCGG-3'

ClinVar aggregate classification (germline): Pathogenic (1 of 4 stars; one submission).

Submission:

GeneDx
Classification: Pathogenic. Last evaluated: 2023-11-05. Review status: criteria provided, single submitter. Criteria: GeneDx Variant Classification Process June 2021. Collection method: clinical testing. Allele origin: germline. Affected: yes.
Comment: Frameshift variant predicted to result in protein truncation or nonsense mediated decay in a gene for which loss of function is a known mechanism of disease; Not observed at significant frequency in large population cohorts (gnomAD); Has not been previously published as pathogenic or benign to our knowledge